The following is an entry in ClinVar:

NM_153704.6(TMEM67):c.1220A>G (p.His407Arg)

Gene: TMEM67 (transmembrane protein 67; plus strand). Cytogenetic location: 8q22.1.
Variant type: single nucleotide variant.
Coding change: c.1220A>G on transcript NM_153704.6 (MANE Select); coding-DNA position 1220, A replaced by G.
Protein change: p.His407Arg; replaces histidine 407 with arginine.
Molecular consequence: missense variant. On other transcripts: non-coding transcript variant (1).
Genome position (GRCh38, 1-based): chr8:93,785,310, A>G. VCF-style: chr8-93785310-A-G. GRCh37 (hg19) VCF-style: chr8-94797538-A-G.
Other names: c.977A>G, p.His326Arg (NM_001142301.1); c.1220A>G (NM_153704.5); short protein forms H407R, H326R.
Identifiers: ClinVar variation 1442488 (VCV001442488.6), dbSNP rs777641401, ClinGen allele CA4807903.
Genomic context (GRCh38, chr8:93,785,310, plus strand): 5'-TTGACTTTCCCACTCCTATATTTTATGATGTGTACCTTGAATATACTGATGAAAATCAAC[A>G]TCAATATATTTTGGCTGTGCCTGTGTTAAACCTAAATCTTCAACATAATAAGATATTTGT-3'
Protein context (NP_714915.3, residues 397-417): VYLEYTDENQ[His407Arg]QYILAVPVLN

ClinVar aggregate classification (germline): Uncertain significance. Review status: criteria provided, multiple submitters, no conflicts (2 of 4 stars). 2 submissions from 2 submitters: Uncertain significance (2). Last evaluated 2024-10-24.

Conditions:
TMEM67-related disorder. Also called: TMEM67-related disorders; TMEM67-related condition. Identifiers: MedGen CN239423.
Meckel-Gruber syndrome. Also called: DYSENCEPHALIA SPLANCHNOCYSTICA; GRUBER SYNDROME; Dysencephalia splachnocystica. Identifiers: Orphanet 564, MedGen C0265215, MONDO:0018921.
Joubert syndrome. Also called: JOUBERT-BOLTSHAUSER SYNDROME; Familial aplasia of the vermis. Identifiers: Orphanet 475, MedGen C5979921, MONDO:0018772.

gnomAD v4.1: 5 of 1,607,022 alleles (0.00031%); highest among the groups gnomAD compares: African/African-American, 0.0053%; no homozygotes.

Submissions (2):

PreventionGenetics, part of Exact Sciences
Classification: Uncertain significance for TMEM67-related condition. Last evaluated: 2024-10-24. Review status: criteria provided, single submitter. Criteria: ACMG Guidelines, 2015. Collection method: clinical testing. Allele origin: germline.
Comment: The TMEM67 c.1220A>G variant is predicted to result in the amino acid substitution p.His407Arg. To our knowledge, this variant has not been reported in the literature. This variant is reported in 0.012% of alleles in individuals of African descent in gnomAD. At this time, the clinical significance of this variant is uncertain due to the absence of conclusive functional and genetic evidence.

Labcorp Genetics (formerly Invitae), Labcorp
Classification: Uncertain significance for Joubert syndrome; Meckel-Gruber syndrome. Last evaluated: 2021-07-31. Review status: criteria provided, single submitter. Criteria: Invitae Variant Classification Sherloc (09022015). Collection method: clinical testing. Allele origin: germline.
Comment: This sequence change replaces histidine with arginine at codon 407 of the TMEM67 protein (p.His407Arg). The histidine residue is weakly conserved and there is a small physicochemical difference between histidine and arginine. This variant is present in population databases (rs777641401, ExAC 0.02%). This variant has not been reported in the literature in individuals affected with TMEM67-related conditions. Advanced modeling of protein sequence and biophysical properties (such as structural, functional, and spatial information, amino acid conservation, physicochemical variation, residue mobility, and thermodynamic stability) performed at Invitae indicates that this missense variant is not expected to disrupt TMEM67 protein function. In summary, the available evidence is currently insufficient to determine the role of this variant in disease. Therefore, it has been classified as a Variant of Uncertain Significance.